The following is an entry in ClinVar:

ClinVar aggregate classification (germline): Likely benign. Review status: criteria provided, multiple submitters, no conflicts (2 of 4 stars). 6 submissions from 6 submitters: Likely benign (4). 2 of the submissions do not count toward it. Last evaluated 2026-01-27.

Conditions:
Cardiovascular phenotype. Identifiers: MedGen CN230736.
Atrioventricular septal defect 4 (AVSD4). Identifiers: MedGen C3280781, MONDO:0013747, OMIM 614430.

Allele frequency attached by ClinVar (database versions not stated): gnomAD 0.00004 and 0.00005; TOPMed 0.00005; gnomAD exomes 0.00011; ExAC 0.00015.
gnomAD v4.1: 163 of 1,614,134 alleles (0.01%); highest among the groups gnomAD compares: South Asian, 0.035%; no homozygotes.

Submissions (6):

Labcorp Genetics (formerly Invitae), Labcorp
Classification: Likely benign for Atrioventricular septal defect 4. Last evaluated: 2026-01-27. Review status: criteria provided, single submitter. Criteria: Invitae Variant Classification Sherloc (09022015). Collection method: clinical testing. Allele origin: germline.

Blueprint Genetics
Classification: Likely benign. Last evaluated: 2024-03-20. Review status: criteria provided, single submitter. Criteria: ACMG Guidelines, 2015. Collection method: clinical testing. Allele origin: germline.

Ambry Genetics
Classification: Likely benign for Cardiovascular phenotype. Last evaluated: 2022-04-06. Review status: criteria provided, single submitter. Criteria: Ambry Variant Classification Scheme 2023. Collection method: clinical testing. Allele origin: germline.

GeneDx
Classification: Likely benign. Last evaluated: 2021-09-14. Review status: criteria provided, single submitter. Criteria: GeneDx Variant Classification Process June 2021. Collection method: clinical testing. Allele origin: germline. Affected: yes.
Comment: This variant is associated with the following publications: (PMID: 30590232)

Genome Diagnostics Laboratory, Amsterdam University Medical Center
Classification: Likely benign. Review status: no assertion criteria provided. Collection method: clinical testing. Allele origin: germline. Affected: yes. Study: VKGL Data-share Consensus. Not counted in ClinVar's aggregate classification.

Joint Genome Diagnostic Labs from Nijmegen and Maastricht, Radboudumc and MUMC+
Classification: Likely benign. Review status: no assertion criteria provided. Collection method: clinical testing. Allele origin: germline. Affected: yes. Study: VKGL Data-share Consensus. Not counted in ClinVar's aggregate classification.

NM_001308093.3(GATA4):c.1236G>A (p.Ala412=)

Gene: GATA4 (GATA binding protein 4). Cytogenetic location: 8p23.1.
Variant type: single nucleotide variant.
Coding change: c.1236G>A on transcript NM_001308093.3 (MANE Select); coding-DNA position 1236, G replaced by A.
Protein change: p.Ala412=; no amino-acid change (alanine 412 retained).
Molecular consequence: synonymous variant.
Genome position (GRCh38, 1-based): chr8:11,758,379, G>A. VCF-style: chr8-11758379-G-A. GRCh37 (hg19) VCF-style: chr8-11615888-G-A.
Other names: c.615G>A, p.Ala205= (NM_001308094.2, NM_001374273.1); c.489G>A, p.Ala163= (NM_001374274.1); c.1233G>A, p.Ala411= (NM_002052.5).
Identifiers: ClinVar variation 472772 (VCV000472772.19), dbSNP rs771755685, ClinGen allele CA4630895.
Genomic context (GRCh38, chr8:11,758,379, plus strand): 5'-CCATGGGCCCTCCATCCACCCTGTCCTCTCGGCCCTGAAGCTCTCCCCACAAGGCTATGC[G>A]TCTCCCGTCAGCCAGTCTCCACAGACCAGCTCCAAGCAGGACTCTTGGAACAGCCTGGTC-3'
Protein context (NP_001295022.1, residues 402-422): SALKLSPQGY[Ala412=]SPVSQSPQTS